The following is an entry in ClinVar:

ClinVar aggregate classification (germline): Uncertain significance (1 of 4 stars; one submission).

Submission:

Ambry Genetics
Classification: Uncertain significance. Last evaluated: 2021-12-03. Review status: criteria provided, single submitter. Criteria: Ambry Variant Classification Scheme 2023. Collection method: clinical testing. Allele origin: germline.
Comment: The p.N901K variant (also known as c.2703T>A), located in coding exon 1 of the MLH3 gene, results from a T to A substitution at nucleotide position 2703. The asparagine at codon 901 is replaced by lysine, an amino acid with similar properties. This amino acid position is conserved. In addition, this alteration is predicted to be tolerated by in silico analysis. Since supporting evidence is limited at this time, the clinical significance of this alteration remains unclear.

NM_001040108.2(MLH3):c.2703T>A (p.Asn901Lys)

Gene: MLH3 (mutL homolog 3; minus strand). Cytogenetic location: 14q24.3.
Variant type: single nucleotide variant.
Coding change: c.2703T>A on transcript NM_001040108.2 (MANE Select); coding-DNA position 2703, T replaced by A.
Protein change: p.Asn901Lys; replaces asparagine 901 with lysine.
Molecular consequence: missense variant.
Genome position (GRCh38, 1-based): chr14:75,046,953, A>T on the plus strand (T>A on the coding strand, the complement: MLH3 is on the minus strand). VCF-style: chr14-75046953-A-T. GRCh37 (hg19) VCF-style: chr14-75513656-A-T.
Other names: c.2703T>A, p.Asn901Lys (NM_014381.3); short protein forms N901K.
Identifiers: ClinVar variation 1794956 (VCV001794956.2), dbSNP rs2503263145, ClinGen allele CA390438960.